The following is an entry in ClinVar:

ClinVar aggregate classification (germline): Uncertain significance (1 of 4 stars; one submission).

Submission:

Labcorp Genetics (formerly Invitae), Labcorp
Classification: Uncertain significance. Last evaluated: 2025-03-05. Review status: criteria provided, single submitter. Criteria: Invitae Variant Classification Sherloc (09022015). Collection method: clinical testing. Allele origin: germline.
Comment: This sequence change replaces aspartic acid, which is acidic and polar, with glutamic acid, which is acidic and polar, at codon 339 of the ACAN protein (p.Asp339Glu). This variant is present in population databases (no rsID available, gnomAD 0.01%). This variant has not been reported in the literature in individuals affected with ACAN-related conditions. Invitae Evidence Modeling of protein sequence and biophysical properties (such as structural, functional, and spatial information, amino acid conservation, physicochemical variation, residue mobility, and thermodynamic stability) indicates that this missense variant is not expected to disrupt ACAN protein function with a negative predictive value of 80%. In summary, the available evidence is currently insufficient to determine the role of this variant in disease. Therefore, it has been classified as a Variant of Uncertain Significance.

NM_001369268.1(ACAN):c.1017C>A (p.Asp339Glu)

Gene: ACAN (aggrecan; plus strand). Cytogenetic location: 15q26.1.
Variant type: single nucleotide variant.
Coding change: c.1017C>A on transcript NM_001369268.1 (MANE Select); coding-DNA position 1017, C replaced by A.
Protein change: p.Asp339Glu; replaces aspartic acid 339 with glutamic acid.
Molecular consequence: missense variant.
Genome position (GRCh38, 1-based): chr15:88,843,614, C>A. VCF-style: chr15-88843614-C-A. GRCh37 (hg19) VCF-style: chr15-89386845-C-A.
Other names: c.1017C>A, p.Asp339Glu (NM_001135.4, NM_001411096.1, NM_001411097.1 and 1 more transcripts); short protein forms D339E.
Identifiers: ClinVar variation 4779546 (VCV004779546.1).
Genomic context (GRCh38, chr15:88,843,614, plus strand): 5'-TGGCAACCTCCTGGGCGTGAGGACCGTCTACGTGCATGCCAACCAGACGGGCTACCCCGA[C>A]CCCTCATCCCGCTACGACGCCATCTGCTACACAGGTGGGGCACGGCTGGTGGTGGGAAGG-3'
Protein context (NP_001356197.1, residues 329-349): YVHANQTGYP[Asp339Glu]PSSRYDAICY